The following is an entry in ClinVar:

ClinVar aggregate classification (germline): Uncertain significance. Review status: criteria provided, multiple submitters, no conflicts (2 of 4 stars). 3 submissions from 3 submitters: Uncertain significance (3). Last evaluated 2025-08-28.

Conditions:
CFAP418-related disorder. Also called: CFAP418-related condition.

Allele frequency attached by ClinVar (database versions not stated): gnomAD 0.00003 and 0.00004; TOPMed 0.00003.
gnomAD v4.1: 7 of 1,613,220 alleles (0.00043%); highest among the groups gnomAD compares: African/African-American, 0.004%; no homozygotes.

Submissions (3):

PreventionGenetics, part of Exact Sciences
Classification: Uncertain significance for CFAP418-related condition. Last evaluated: 2025-08-28. Review status: criteria provided, single submitter. Criteria: ACMG Guidelines, 2015. Collection method: clinical testing. Allele origin: germline.
Comment: The CFAP418 c.518A>C variant is predicted to result in the amino acid substitution p.Lys173Thr. To our knowledge, this variant has not been reported in the literature or in a large population database (gnomAD), indicating this variant is rare. At this time, the clinical significance of this variant is uncertain due to the absence of conclusive functional and genetic evidence.

Blueprint Genetics
Classification: Uncertain significance. Last evaluated: 2024-02-28. Review status: criteria provided, single submitter. Criteria: ACMG Guidelines, 2015. Collection method: clinical testing. Allele origin: germline.

Labcorp Genetics (formerly Invitae), Labcorp
Classification: Uncertain significance. Last evaluated: 2022-07-12. Review status: criteria provided, single submitter. Criteria: Invitae Variant Classification Sherloc (09022015). Collection method: clinical testing. Allele origin: germline.
Comment: Algorithms developed to predict the effect of missense changes on protein structure and function are either unavailable or do not agree on the potential impact of this missense change (SIFT: "Deleterious"; PolyPhen-2: "Probably Damaging"; Align-GVGD: "Class C0"). In summary, the available evidence is currently insufficient to determine the role of this variant in disease. Therefore, it has been classified as a Variant of Uncertain Significance. This sequence change replaces lysine, which is basic and polar, with threonine, which is neutral and polar, at codon 173 of the C8orf37 protein (p.Lys173Thr). This variant is not present in population databases (gnomAD no frequency). This variant has not been reported in the literature in individuals affected with C8orf37-related conditions. ClinVar contains an entry for this variant (Variation ID: 1015526).

NM_177965.4(CFAP418):c.518A>C (p.Lys173Thr)

Gene: CFAP418 (cilia and flagella associated protein 418; minus strand). Cytogenetic location: 8q22.1.
Variant type: single nucleotide variant.
Coding change: c.518A>C on transcript NM_177965.4 (MANE Select); coding-DNA position 518, A replaced by C.
Protein change: p.Lys173Thr; replaces lysine 173 with threonine.
Molecular consequence: missense variant.
Genome position (GRCh38, 1-based): chr8:95,247,723, T>G on the plus strand (A>C on the coding strand, the complement: CFAP418 is on the minus strand). VCF-style: chr8-95247723-T-G. GRCh37 (hg19) VCF-style: chr8-96259951-T-G.
Other names: c.422A>C, p.Lys141Thr (NM_001363260.1); c.518A>C (NM_177965.3); short protein forms K141T, K173T.
Identifiers: ClinVar variation 1015526 (VCV001015526.10), dbSNP rs893585115, ClinGen allele CA182088093.